The following is an entry in ClinVar:

ClinVar aggregate classification (germline): Uncertain significance (1 of 4 stars; one submission).

Conditions:
Cystic fibrosis (CF). Also called: MUCOVISCIDOSIS. Identifiers: Orphanet 586, MedGen C0010674, MONDO:0009061, OMIM 219700. Disease mechanism: loss of function.

Submission:

Ambry Genetics
Classification: Uncertain significance for Cystic fibrosis. Last evaluated: 2025-12-26. Review status: criteria provided, single submitter. Criteria: Ambry Variant Classification Scheme 2023. Collection method: clinical testing. Allele origin: germline.
Comment: The p.S649Y variant (also known as c.1946C>A), located in coding exon 14 of the CFTR gene, results from a C to A substitution at nucleotide position 1946. The serine at codon 649 is replaced by tyrosine, an amino acid with dissimilar properties. This amino acid position is conserved. In addition, the in silico prediction for this alteration is inconclusive. Based on the available evidence, the clinical significance of this variant remains unclear.

NM_000492.4(CFTR):c.1946C>A (p.Ser649Tyr)

Gene: CFTR (CF transmembrane conductance regulator; plus strand). Cytogenetic location: 7q31.2.
Variant type: single nucleotide variant.
Coding change: c.1946C>A on transcript NM_000492.4 (MANE Select); coding-DNA position 1946, C replaced by A.
Protein change: p.Ser649Tyr; replaces serine 649 with tyrosine.
Molecular consequence: missense variant.
Genome position (GRCh38, 1-based): chr7:117,592,113, C>A. VCF-style: chr7-117592113-C-A. GRCh37 (hg19) VCF-style: chr7-117232167-C-A.
Other names: short protein forms S649Y.
Identifiers: ClinVar variation 4843823 (VCV004843823.1).